The following is an entry in ClinVar:

NM_001849.4(COL6A2):c.1358G>A (p.Arg453His)

Gene: COL6A2 (collagen type VI alpha 2 chain; plus strand). Cytogenetic location: 21q22.3.
Variant type: single nucleotide variant.
Coding change: c.1358G>A on transcript NM_001849.4 (MANE Select); coding-DNA position 1358, G replaced by A.
Protein change: p.Arg453His; replaces arginine 453 with histidine.
Molecular consequence: missense variant.
Genome position (GRCh38, 1-based): chr21:46,120,540, G>A. VCF-style: chr21-46120540-G-A. GRCh37 (hg19) VCF-style: chr21-47540454-G-A.
Other names: c.1358G>A, p.Arg453His (NM_058174.3, NM_058175.3); short protein forms R453H.
Identifiers: ClinVar variation 224685 (VCV000224685.47), dbSNP rs878854386, ClinGen allele CA10575986.

ClinVar aggregate classification (germline): Conflicting classifications of pathogenicity. Review status: criteria provided, conflicting classifications (1 of 4 stars). 7 submissions from 7 submitters: Uncertain significance (6); Likely benign (1). Last evaluated 2025-12-10.

Conditions:
Bethlem myopathy 1B (BTHLM1B). Identifiers: MedGen C5935580, MONDO:0958233, OMIM 620725.
Ullrich congenital muscular dystrophy 1B (UCMD1B). Identifiers: MedGen C5935582, MONDO:0958235, OMIM 620727.
Myosclerosis. Also called: MYOPATHY, MYOSCLEROTIC; MYOSCLEROSIS, CONGENITAL, OF LOWENTHAL; Myosclerosis, congenital. Identifiers: Orphanet 289380, MedGen C1850671, MONDO:0009714, OMIM 255600.
Bethlem myopathy 1A. Also called: MYOPATHY, BENIGN CONGENITAL, WITH CONTRACTURES; Bethlem myopathy 1; Bethlem Muscular Dystrophy. Identifiers: Orphanet 610, MedGen CN029274, MONDO:0024530, OMIM 158810.

Allele frequency attached by ClinVar (database versions not stated): TOPMed 0.00005; gnomAD 0.00008 and 0.00009; gnomAD exomes 0.00008.
gnomAD v4.1: 111 of 1,479,442 alleles (0.0075%); highest among the groups gnomAD compares: East Asian, 0.01%; no homozygotes.

Submissions (7):

Labcorp Genetics (formerly Invitae), Labcorp
Classification: Likely benign for Bethlem myopathy 1A. Last evaluated: 2025-12-10. Review status: criteria provided, single submitter. Criteria: Invitae Variant Classification Sherloc (09022015). Collection method: clinical testing. Allele origin: germline.

CeGaT Center for Human Genetics Tuebingen
Classification: Uncertain significance. Last evaluated: 2022-07-01. Review status: criteria provided, single submitter. Criteria: CeGaT Center For Human Genetics Tuebingen Variant Classification Criteria Version 2. Collection method: clinical testing. Allele origin: germline. Affected: yes. Observed: 1 variant allele.
Comment: COL6A2: PP3

Revvity Omics, Revvity
Classification: Uncertain significance. Last evaluated: 2019-06-26. Review status: criteria provided, single submitter. Criteria: ACMG Guidelines, 2015. Collection method: clinical testing. Allele origin: germline.

Eurofins Ntd Llc (ga)
Classification: Uncertain significance. Last evaluated: 2017-12-07. Review status: criteria provided, single submitter. Criteria: EGL Classification Definitions 2015. Collection method: clinical testing. Allele origin: germline. Observed: 2 variant alleles, 2 heterozygotes.

Center for Genetic Medicine Research, Children's National Medical Center
Classification: Uncertain significance. Last evaluated: 2015-12-01. Review status: criteria provided, single submitter. Criteria: Punetha et al. (J Neuromuscul Dis. 2016). Collection method: research. Allele origin: unknown.

GeneDx
Classification: Uncertain significance. Last evaluated: 2015-09-04. Review status: criteria provided, single submitter. Criteria: GeneDx Variant Classification (06012015). Collection method: clinical testing. Allele origin: germline. Affected: yes.
Comment: The R453H variant has not beenpublished as a pathogenic variant, nor has it been reported as a benign polymorphism to our knowledge. It was notobserved in approximately 5,500 individuals of European and African American ancestry in the NHLBI ExomeSequencing Project, indicating it is not a common benign variant in these populations. The R453H variant is aconservative amino acid substitution, which is not likely to impact secondary protein structure as theseresidues share similar properties. However, this substitution occurs at a position that is conserved acrossspecies, and in silico analysis is inconsistent in its predictions as to whether or not the variant is damaging tothe protein structure/function.

Juno Genomics, Hangzhou Juno Genomics, Inc
Classification: Uncertain significance for Bethlem myopathy 1B; Ullrich congenital muscular dystrophy 1B; Myosclerosis. Review status: criteria provided, single submitter. Criteria: ACMG Guidelines, 2015. Collection method: clinical testing. Allele origin: germline.
Comment: Absent from controls (or at extremely low frequency if recessive) in Genome Aggregation Database.;Multiple lines of computational evidence support a deleterious effect on the gene or gene product.;The prevalence of the variant in affected individuals is significantly increased compared to the prevalence in controls.